The following is an entry in ClinVar:

NM_001134831.2(AHI1):c.331C>T (p.Pro111Ser)

Gene: AHI1 (Abelson helper integration site 1; minus strand). Cytogenetic location: 6q23.3.
Variant type: single nucleotide variant.
Coding change: c.331C>T on transcript NM_001134831.2 (MANE Select); coding-DNA position 331, C replaced by T.
Protein change: p.Pro111Ser; replaces proline 111 with serine.
Molecular consequence: missense variant.
Genome position (GRCh38, 1-based): chr6:135,466,232, G>A on the plus strand (C>T on the coding strand, the complement: AHI1 is on the minus strand). VCF-style: chr6-135466232-G-A. GRCh37 (hg19) VCF-style: chr6-135787370-G-A.
Other names: c.331C>T, p.Pro111Ser (NM_001134830.2, NM_001134832.2, NM_001350503.2 and 2 more transcripts); short protein forms P111S.
Identifiers: ClinVar variation 1302895 (VCV001302895.10), dbSNP rs776053386, ClinGen allele CA4012849.

ClinVar aggregate classification (germline): Uncertain significance. Review status: criteria provided, multiple submitters, no conflicts (2 of 4 stars). 5 submissions from 5 submitters: Uncertain significance (5). Last evaluated 2026-08-27.

Conditions:
Joubert syndrome. Also called: JOUBERT-BOLTSHAUSER SYNDROME; Familial aplasia of the vermis. Identifiers: Orphanet 475, MedGen C5979921, MONDO:0018772.
Inborn genetic diseases. Identifiers: MedGen C0950123, MeSH D030342.
Joubert syndrome 3 (JBTS3). Also called: AHI1-related Ciliopathy. Identifiers: Orphanet 220493, MedGen C1837713, MONDO:0012078, OMIM 608629.
AHI1-related disorder. Also called: AHI1-related condition.

Allele frequency attached by ClinVar (database versions not stated): gnomAD exomes 0.00001; ExAC 0.00001; TOPMed 0.00001.
gnomAD v4.1: 20 of 1,613,894 alleles (0.0012%); highest among the groups gnomAD compares: Non-Finnish European, 0.0015%; no homozygotes.

Submissions (5):

Ambry Genetics
Classification: Uncertain significance for Inborn genetic diseases. Last evaluated: 2026-08-27. Review status: criteria provided, single submitter. Criteria: Ambry Variant Classification Scheme 2023. Collection method: clinical testing. Allele origin: germline.
Comment: The c.331C>T (p.P111S) alteration is located in exon 6 (coding exon 4) of the AHI1 gene. This alteration results from a C to T substitution at nucleotide position 331, causing the proline (P) at amino acid position 111 to be replaced by a serine (S). Based on data from gnomAD, the T allele has an overall frequency of 0.001% (2/249152) total alleles studied. The highest observed frequency was 0.002% (2/112930) of European (non-Finnish) alleles. Based on insufficient or conflicting evidence, the clinical significance of this alteration remains unclear.

PreventionGenetics, part of Exact Sciences
Classification: Uncertain significance for AHI1-related condition. Last evaluated: 2026-08-27. Review status: criteria provided, single submitter. Criteria: ACMG Guidelines, 2015. Collection method: clinical testing. Allele origin: germline.
Comment: The AHI1 c.331C>T variant is predicted to result in the amino acid substitution p.Pro111Ser. To our knowledge, this variant has not been reported in the literature. This variant is reported in 0.0018% of alleles in individuals of European (Non-Finnish) descent in gnomAD. At this time, the clinical significance of this variant is uncertain due to the absence of conclusive functional and genetic evidence.

GeneDx
Classification: Uncertain significance. Last evaluated: 2021-10-27. Review status: criteria provided, single submitter. Criteria: GeneDx Variant Classification Process June 2021. Collection method: clinical testing. Allele origin: germline. Affected: yes.
Comment: Not observed at significant frequency in large population cohorts (Lek et al., 2016); In silico analysis supports that this missense variant does not alter protein structure/function; Has not been previously published as pathogenic or benign to our knowledge

Fulgent Genetics
Classification: Uncertain significance for Joubert syndrome 3. Last evaluated: 2021-10-20. Review status: criteria provided, single submitter. Criteria: ACMG Guidelines, 2015. Collection method: clinical testing. Allele origin: unknown.

Labcorp Genetics (formerly Invitae), Labcorp
Classification: Uncertain significance for Joubert syndrome. Last evaluated: 2021-09-17. Review status: criteria provided, single submitter. Criteria: Invitae Variant Classification Sherloc (09022015). Collection method: clinical testing. Allele origin: germline.
Comment: This sequence change replaces proline with serine at codon 111 of the AHI1 protein (p.Pro111Ser). The proline residue is weakly conserved and there is a moderate physicochemical difference between proline and serine. This variant is present in population databases (rs776053386, ExAC 0.001%). This variant has not been reported in the literature in individuals affected with AHI1-related conditions. Advanced modeling of protein sequence and biophysical properties (such as structural, functional, and spatial information, amino acid conservation, physicochemical variation, residue mobility, and thermodynamic stability) performed at Invitae indicates that this missense variant is not expected to disrupt AHI1 protein function. In summary, the available evidence is currently insufficient to determine the role of this variant in disease. Therefore, it has been classified as a Variant of Uncertain Significance.